The following is an entry in ClinVar:

NM_000701.8(ATP1A1):c.1496C>G (p.Ser499Trp)

Genes: ATP1A1 (ATPase Na+/K+ transporting subunit alpha 1; plus strand), ATP1A1-AS1 (ATP1A1 antisense RNA 1; minus strand). Cytogenetic location: 1p13.1.
Variant type: single nucleotide variant.
Coding change: c.1496C>G on transcript NM_000701.8 (MANE Select); coding-DNA position 1496, C replaced by G.
Protein change: p.Ser499Trp; replaces serine 499 with tryptophan.
Molecular consequence: missense variant.
Genome position (GRCh38, 1-based): chr1:116,393,559, C>G. VCF-style: chr1-116393559-C-G. GRCh37 (hg19) VCF-style: chr1-116936181-C-G.
Other names: c.1496C>G, p.Ser499Trp (NM_001160233.2); c.1403C>G, p.Ser468Trp (NM_001160234.2); short protein forms S499W, S468W.
Identifiers: ClinVar variation 1910708 (VCV001910708.5), dbSNP rs141400264, ClinGen allele CA1025339.

ClinVar aggregate classification (germline): Uncertain significance (1 of 4 stars; one submission).

gnomAD v4.1: 15 of 1,613,910 alleles (0.00093%); highest among the groups gnomAD compares: Middle Eastern, 0.016%; no homozygotes.

Submission:

Labcorp Genetics (formerly Invitae), Labcorp
Classification: Uncertain significance. Last evaluated: 2025-09-18. Review status: criteria provided, single submitter. Criteria: Invitae Variant Classification Sherloc (09022015). Collection method: clinical testing. Allele origin: germline.
Comment: This sequence change replaces serine, which is neutral and polar, with tryptophan, which is neutral and slightly polar, at codon 499 of the ATP1A1 protein (p.Ser499Trp). This variant is present in population databases (rs141400264, gnomAD 0.0009%). This variant has not been reported in the literature in individuals affected with ATP1A1-related conditions. ClinVar contains an entry for this variant (Variation ID: 1910708). Invitae Evidence Modeling of protein sequence and biophysical properties (such as structural, functional, and spatial information, amino acid conservation, physicochemical variation, residue mobility, and thermodynamic stability) indicates that this missense variant is expected to disrupt ATP1A1 protein function with a positive predictive value of 80%. In summary, the available evidence is currently insufficient to determine the role of this variant in disease. Therefore, it has been classified as a Variant of Uncertain Significance.